The following is an entry in ClinVar:

NM_032043.3(BRIP1):c.535_536dup (p.Val180fs)

Gene: BRIP1 (BRCA1 interacting DNA helicase 1; minus strand). Cytogenetic location: 17q23.2.
Variant type: Duplication.
Coding change: c.535_536dup on transcript NM_032043.3 (MANE Select); coding-DNA positions 535 to 536, 2 bases duplicated (GA; older notation c.535_536dupGA).
Protein change: p.Val180fs; shifts the reading frame from valine 180.
Molecular consequence: frameshift variant.
Genome position (GRCh38, 1-based): chr17:61,847,192-61,847,193, TC duplicated on the plus strand (GA on the coding strand, the reverse complement: BRIP1 is on the minus strand); duplicating any 2 consecutive bases within chr17:61,847,192-61,847,194 gives the same sequence; the c. name uses the placement nearest the transcript's 3' end. VCF-style (leftmost placement, unchanged base first): chr17-61847191-T-TTC. GRCh37 (hg19) VCF-style: chr17-59924552-T-TTC.
Other names: c.535_536dupGA (NM_032043.2); short protein forms V180fs.
Identifiers: ClinVar variation 2002563 (VCV002002563.7), dbSNP rs1567866856, ClinGen allele CA2580094493.
Genomic context (GRCh38, chr17:61,847,191, plus strand): 5'-CAGTGGAGAGTTGAGTTTTACAGTCTTTCCTGAATCAACTTTTGCATCCAAATTGTGTAC[T>TTC]TCTGTTCCAAAGCAATGACGTTTTCTAATCTGTAAACACAGAACCAAAATGAAGTTTAAG-3'

ClinVar aggregate classification (germline): Pathogenic. Review status: criteria provided, multiple submitters, no conflicts (2 of 4 stars). 3 submissions from 3 submitters: Pathogenic (3). Last evaluated 2025-05-21.

Conditions:
Hereditary cancer-predisposing syndrome. Also called: Hereditary Cancer Syndrome; Tumor predisposition; Hereditary neoplastic syndrome; Neoplastic Syndromes, Hereditary. Identifiers: Orphanet 140162, MedGen C0027672, MeSH D009386, MONDO:0015356.
Familial cancer of breast. Also called: BREAST CANCER, FAMILIAL; Hereditary breast cancer; hereditary breast carcinoma. Identifiers: Orphanet 227535, MedGen C0346153, MONDO:0016419, OMIM 114480. Disease mechanism: loss of function.
Fanconi anemia complementation group J. Also called: BRIP1-Related Fanconi Anemia. Identifiers: Orphanet 84, MedGen C1836860, MONDO:0012187, OMIM 609054.

Submissions (3):

Labcorp Genetics (formerly Invitae), Labcorp
Classification: Pathogenic for Familial cancer of breast; Fanconi anemia complementation group J. Last evaluated: 2025-05-21. Review status: criteria provided, single submitter. Criteria: Invitae Variant Classification Sherloc (09022015). Collection method: clinical testing. Allele origin: germline.
Comment: This sequence change creates a premature translational stop signal (p.Val180Lysfs*15) in the BRIP1 gene. It is expected to result in an absent or disrupted protein product. Loss-of-function variants in BRIP1 are known to be pathogenic (PMID: 16116423, 17033622, 21964575). This variant is not present in population databases (gnomAD no frequency). This variant has not been reported in the literature in individuals affected with BRIP1-related conditions. ClinVar contains an entry for this variant (Variation ID: 2002563). For these reasons, this variant has been classified as Pathogenic.

Ambry Genetics
Classification: Pathogenic for Hereditary cancer-predisposing syndrome. Last evaluated: 2024-12-19. Review status: criteria provided, single submitter. Criteria: Ambry Variant Classification Scheme 2023. Collection method: clinical testing. Allele origin: germline.
Comment: The c.535_536dupGA pathogenic mutation, located in coding exon 5 of the BRIP1 gene, results from a duplication of GA at nucleotide position 535, causing a translational frameshift with a predicted alternate stop codon (p.V180Kfs*15). This variant is considered to be rare based on population cohorts in the Genome Aggregation Database (gnomAD). This alteration is expected to result in loss of function by premature protein truncation or nonsense-mediated mRNA decay. As such, this alteration is interpreted as a disease-causing mutation.

Myriad Genetics, Inc.
Classification: Pathogenic for Familial cancer of breast. Last evaluated: 2023-05-31. Review status: criteria provided, single submitter. Criteria: Myriad Autosomal Dominant, Autosomal Recessive and X-Linked Classification Criteria (2023). Collection method: clinical testing. Allele origin: unknown.
Comment: This variant is considered pathogenic. This variant creates a frameshift predicted to result in premature protein truncation.

Literature cited by the submitters: PubMed 16116423 (cited by Labcorp Genetics (formerly Invitae), Labcorp); PubMed 17033622 (cited by Labcorp Genetics (formerly Invitae), Labcorp); PubMed 21964575 (cited by Labcorp Genetics (formerly Invitae), Labcorp).